The following is an entry in ClinVar:

ClinVar aggregate classification (germline): Conflicting classifications of pathogenicity. Review status: criteria provided, conflicting classifications (1 of 4 stars). 6 submissions from 5 submitters: Pathogenic (1); Uncertain significance (4); Likely benign (1). Last evaluated 2026-07-30.

Conditions:
IMPDH1-related disorder. Also called: IMPDH1-related condition; IMPDH1-related disorders.
Leber congenital amaurosis 11 (LCA11). Identifiers: Orphanet 65, MedGen C1840284, MONDO:0013454, OMIM 613837.
Retinitis pigmentosa (RP). Identifiers: Orphanet 791, MedGen C0035334, MeSH D012174, MONDO:0019200, OMIM 268000. Inheritance: Autosomal dominant, autosomal recessive and X linked inheritance.

Allele frequency attached by ClinVar (database versions not stated): gnomAD exomes 0.00003; gnomAD 0.00016 and 0.00018; TOPMed 0.00019.

Submissions (6):

PreventionGenetics, part of Exact Sciences
Classification: Uncertain significance for IMPDH1-related condition. Last evaluated: 2026-07-30. Review status: criteria provided, single submitter. Criteria: ACMG Guidelines, 2015. Collection method: clinical testing. Allele origin: germline.
Comment: The IMPDH1 c.71G>C variant is predicted to result in the amino acid substitution p.Arg24Pro. This variant has been reported in the heterozygous state in an individual with retinitis pigmentosa (Table S2, Weisschuh et al. 2020. PubMed ID: 32531858). However, this variant is reported in 0.030% of alleles in individuals of African descent in gnomAD, including almost 400 heterozygotes in v4.1 of the database, which may be too frequent to be a primary cause of disease. Although we suspect that this variant may be benign, at this time, the clinical significance of this variant is uncertain due to the absence of conclusive functional and genetic evidence.

Labcorp Genetics (formerly Invitae), Labcorp
Classification: Uncertain significance. Last evaluated: 2025-11-12. Review status: criteria provided, single submitter. Criteria: Invitae Variant Classification Sherloc (09022015). Collection method: clinical testing. Allele origin: germline.
Comment: This sequence change replaces arginine, which is basic and polar, with proline, which is neutral and non-polar, at codon 24 of the IMPDH1 protein (p.Arg24Pro). This variant is present in population databases (no rsID available, gnomAD 0.03%). This missense change has been observed in individuals with clinical features of autosomal dominant retinitis pigmentosa (PMID: 32531858; internal data). ClinVar contains an entry for this variant (Variation ID: 813046). An algorithm developed to predict the effect of missense changes on protein structure and function (PolyPhen-2) suggests that this variant is likely to be tolerated. In summary, the available evidence is currently insufficient to determine the role of this variant in disease. Therefore, it has been classified as a Variant of Uncertain Significance.

Blueprint Genetics
Classification: Likely benign. Last evaluated: 2023-11-28. Review status: criteria provided, single submitter. Criteria: ACMG Guidelines, 2015. Collection method: clinical testing. Allele origin: germline.

Molecular Genetics Laboratory, Institute for Ophthalmic Research
Classification: Pathogenic for Retinitis pigmentosa. Last evaluated: 2020-01-09. Review status: criteria provided, single submitter. Criteria: ACMG Guidelines, 2015. Collection method: research. Allele origin: germline. Affected: yes.

Illumina Laboratory Services, Illumina
Classification: Uncertain significance for Leber congenital amaurosis 11. Last evaluated: 2018-01-13. Review status: criteria provided, single submitter. Criteria: ICSL Variant Classification Criteria 13 December 2019. Collection method: clinical testing. Allele origin: germline.

Illumina Laboratory Services, Illumina
Classification: Uncertain significance for Retinitis pigmentosa. Last evaluated: 2018-01-13. Review status: criteria provided, single submitter. Criteria: ICSL Variant Classification Criteria 13 December 2019. Collection method: clinical testing. Allele origin: germline.

Literature cited by the submitters: PubMed 32531858 (cited by Labcorp Genetics (formerly Invitae), Labcorp).

NM_000883.4(IMPDH1):c.71G>C (p.Arg24Pro)

Genes: IMPDH1 (inosine monophosphate dehydrogenase 1; minus strand), LOC129999258 (ATAC-STARR-seq lymphoblastoid silent region 18606; plus strand). Cytogenetic location: 7q32.1.
Variant type: single nucleotide variant.
Coding change: c.71G>C on transcript NM_000883.4 (MANE Select); coding-DNA position 71, G replaced by C.
Protein change: p.Arg24Pro; replaces arginine 24 with proline.
Molecular consequence: missense variant.
Genome position (GRCh38, 1-based): chr7:128,409,831, C>G on the plus strand (G>C on the coding strand, the complement: IMPDH1 is on the minus strand). VCF-style: chr7-128409831-C-G. GRCh37 (hg19) VCF-style: chr7-128049885-C-G.
Other names: c.71G>C, p.Arg24Pro (NM_001102605.2, NM_001142576.2, NM_001304521.2 and 1 more transcripts); short protein forms R24P.
Identifiers: ClinVar variation 813046 (VCV000813046.14), dbSNP rs946898300, ClinGen allele CA166138005.